The following is an entry in ClinVar:

NM_000238.4(KCNH2):c.1684C>A (p.His562Asn)

Gene: KCNH2 (potassium voltage-gated channel subfamily H member 2; minus strand). Cytogenetic location: 7q36.1.
Variant type: single nucleotide variant.
Coding change: c.1684C>A on transcript NM_000238.4 (MANE Select); coding-DNA position 1684, C replaced by A.
Protein change: p.His562Asn; replaces histidine 562 with asparagine.
Molecular consequence: missense variant.
Genome position (GRCh38, 1-based): chr7:150,951,709, G>T on the plus strand (C>A on the coding strand, the complement: KCNH2 is on the minus strand). VCF-style: chr7-150951709-G-T. GRCh37 (hg19) VCF-style: chr7-150648797-G-T.
Other names: c.664C>A, p.His222Asn (NM_001204798.2, NM_172057.3); c.1396C>A, p.His466Asn (NM_001406753.1, NM_001406756.1); c.1507C>A, p.His503Asn (NM_001406755.1); c.1384C>A, p.His462Asn (NM_001406757.1); c.1684C>A, p.His562Asn (NM_172056.3); short protein forms H222N, H562N, H462N, H503N, H466N.
Identifiers: ClinVar variation 1381035 (VCV001381035.7), dbSNP rs794728481, ClinGen allele CA369858801.

ClinVar aggregate classification (germline): Uncertain significance (1 of 4 stars; one submission).

Conditions:
Long QT syndrome (LQTS). Identifiers: MedGen C0023976, MeSH D008133, MONDO:0002442. Disease mechanism: loss of function. Inheritance: Various modes of inheritance.

Submission:

Labcorp Genetics (formerly Invitae), Labcorp
Classification: Uncertain significance for Long QT syndrome. Last evaluated: 2021-11-08. Review status: criteria provided, single submitter. Criteria: Invitae Variant Classification Sherloc (09022015). Collection method: clinical testing. Allele origin: germline.
Comment: This sequence change replaces histidine, which is basic and polar, with asparagine, which is neutral and polar, at codon 562 of the KCNH2 protein (p.His562Asn). In summary, the available evidence is currently insufficient to determine the role of this variant in disease. Therefore, it has been classified as a Variant of Uncertain Significance. This variant disrupts the p.His562 amino acid residue in KCNH2. Other variant(s) that disrupt this residue have been determined to be pathogenic (PMID: 15242738, 16432067, 22949429, 25417810, 25819988). This suggests that this residue is clinically significant, and that variants that disrupt this residue are likely to be disease-causing. Experimental studies have shown that this missense change affects KCNH2 function (PMID: 31882846). Algorithms developed to predict the effect of missense changes on protein structure and function are either unavailable or do not agree on the potential impact of this missense change (SIFT: "Tolerated"; PolyPhen-2: "Probably Damaging"; Align-GVGD: "Class C0"). This variant has not been reported in the literature in individuals affected with KCNH2-related conditions. This variant is not present in population databases (gnomAD no frequency).

Literature cited by the submitters: PubMed 15242738; PubMed 16432067; PubMed 22949429; PubMed 25417810; PubMed 25819988; PubMed 31882846.